The following is an entry in ClinVar:

ClinVar aggregate classification (germline): Uncertain significance (1 of 4 stars; one submission).

Submission:

Labcorp Genetics (formerly Invitae), Labcorp
Classification: Uncertain significance. Last evaluated: 2023-12-14. Review status: criteria provided, single submitter. Criteria: Invitae Variant Classification Sherloc (09022015). Collection method: clinical testing. Allele origin: germline.
Comment: This sequence change replaces proline, which is neutral and non-polar, with arginine, which is basic and polar, at codon 2805 of the HMCN1 protein (p.Pro2805Arg). This variant is not present in population databases (gnomAD no frequency). This variant has not been reported in the literature in individuals affected with HMCN1-related conditions. An algorithm developed to predict the effect of missense changes on protein structure and function (PolyPhen-2) suggests that this variant is likely to be disruptive. In summary, the available evidence is currently insufficient to determine the role of this variant in disease. Therefore, it has been classified as a Variant of Uncertain Significance.

NM_031935.3(HMCN1):c.8414C>G (p.Pro2805Arg)

Gene: HMCN1 (hemicentin 1; plus strand). Cytogenetic location: 1q31.1.
Variant type: single nucleotide variant.
Coding change: c.8414C>G on transcript NM_031935.3 (MANE Select); coding-DNA position 8414, C replaced by G.
Protein change: p.Pro2805Arg; replaces proline 2805 with arginine.
Molecular consequence: missense variant.
Genome position (GRCh38, 1-based): chr1:186,076,551, C>G. VCF-style: chr1-186076551-C-G. GRCh37 (hg19) VCF-style: chr1-186045683-C-G.
Other names: short protein forms P2805R.
Identifiers: ClinVar variation 2969437 (VCV002969437.3), dbSNP rs2527833160, ClinGen allele CA343912542.